The following is an entry in ClinVar:

ClinVar aggregate classification (germline): Likely benign. Review status: criteria provided, single submitter (1 of 4 stars). 2 submissions from 2 submitters: Likely benign (1). 1 of the submissions does not count toward it. Last evaluated 2025-11-19.

Conditions:
LONP1-related disorder. Also called: LONP1-related condition; LONP1-related disorders.

Allele frequency attached by ClinVar (database versions not stated): gnomAD 0.00007; gnomAD exomes 0.00008 and 0.00031; TOPMed 0.00008; 1000 Genomes Project 30x 0.00016; 1000 Genomes Project 0.00020; ExAC 0.00034.
gnomAD v4.1: 121 of 1,614,180 alleles (0.0075%); highest among the groups gnomAD compares: Admixed American, 0.13%; 1 homozygote.

Submissions (2):

Labcorp Genetics (formerly Invitae), Labcorp
Classification: Likely benign. Last evaluated: 2025-11-19. Review status: criteria provided, single submitter. Criteria: Invitae Variant Classification Sherloc (09022015). Collection method: clinical testing. Allele origin: germline.

PreventionGenetics, part of Exact Sciences
Classification: Likely benign for LONP1-related condition. Last evaluated: 2023-01-05. Review status: no assertion criteria provided. Collection method: clinical testing. Allele origin: germline. Not counted in ClinVar's aggregate classification.
Comment: This variant is classified as likely benign based on ACMG/AMP sequence variant interpretation guidelines (Richards et al. 2015 PMID: 25741868, with internal and published modifications).

NM_004793.4(LONP1):c.1442C>T (p.Ala481Val)

Gene: LONP1 (lon peptidase 1, mitochondrial; minus strand). Cytogenetic location: 19p13.3.
Variant type: single nucleotide variant.
Coding change: c.1442C>T on transcript NM_004793.4 (MANE Select); coding-DNA position 1442, C replaced by T.
Protein change: p.Ala481Val; replaces alanine 481 with valine.
Molecular consequence: missense variant. On other transcripts: non-coding transcript variant (1).
Genome position (GRCh38, 1-based): chr19:5,700,853, G>A on the plus strand (C>T on the coding strand, the complement: LONP1 is on the minus strand). VCF-style: chr19-5700853-G-A. GRCh37 (hg19) VCF-style: chr19-5700864-G-A.
Other names: c.1250C>T, p.Ala417Val (NM_001276479.2); c.854C>T, p.Ala285Val (NM_001276480.1); short protein forms A417V, A285V, A481V.
Identifiers: ClinVar variation 744060 (VCV000744060.11), dbSNP rs533379615, ClinGen allele CA9114685.